The following is an entry in ClinVar:

NM_000038.6(APC):c.6924C>T (p.Thr2308=)

Gene: APC (APC regulator of Wnt signaling pathway; plus strand). Cytogenetic location: 5q22.2.
Variant type: single nucleotide variant.
Coding change: c.6924C>T on transcript NM_000038.6 (MANE Select); coding-DNA position 6924, C replaced by T.
Protein change: p.Thr2308=; no amino-acid change (threonine 2308 retained).
Molecular consequence: synonymous variant.
Genome position (GRCh38, 1-based): chr5:112,842,518, C>T. VCF-style: chr5-112842518-C-T. GRCh37 (hg19) VCF-style: chr5-112178215-C-T.
Other names: c.6924C>T (NM_000038.5); c.6924C>T, p.Thr2308= (NM_001127510.3, NM_001354895.2); c.6870C>T, p.Thr2290= (NM_001127511.3); c.6978C>T, p.Thr2326= (NM_001354896.2); c.6954C>T, p.Thr2318= (NM_001354897.2); c.6849C>T, p.Thr2283= (NM_001354898.2); c.6840C>T, p.Thr2280= (NM_001354899.2); c.6801C>T, p.Thr2267= (NM_001354900.2); and 6 more.
Identifiers: ClinVar variation 1141596 (VCV001141596.12), dbSNP rs1580676369, ClinGen allele CA446210509.

ClinVar aggregate classification (germline): Benign/Likely benign. Review status: criteria provided, multiple submitters, no conflicts (2 of 4 stars). 3 submissions from 3 submitters: Benign (1); Likely benign (2). Last evaluated 2024-04-08.

Conditions:
Hereditary cancer-predisposing syndrome. Also called: Hereditary Cancer Syndrome; Neoplastic Syndromes, Hereditary; Hereditary neoplastic syndrome; Tumor predisposition. Identifiers: Orphanet 140162, MedGen C0027672, MeSH D009386, MONDO:0015356.
Familial adenomatous polyposis 1 (FAP1). Also called: FAMILIAL ADENOMATOUS POLYPOSIS 1, ATTENUATED; POLYPOSIS, ADENOMATOUS INTESTINAL. Identifiers: MedGen C2713442, MONDO:0021056, OMIM 175100. Disease mechanism: loss of function.

Submissions (3):

Myriad Genetics, Inc.
Classification: Benign for Familial adenomatous polyposis 1. Last evaluated: 2024-04-08. Review status: criteria provided, single submitter. Criteria: Myriad Autosomal Dominant, Autosomal Recessive and X-Linked Classification Criteria (2023). Collection method: clinical testing. Allele origin: unknown.
Comment: This variant is considered benign. This variant is a silent/synonymous amino acid change and it is not expected to impact splicing.

Ambry Genetics
Classification: Likely benign for Hereditary cancer-predisposing syndrome. Last evaluated: 2023-08-24. Review status: criteria provided, single submitter. Criteria: Ambry Variant Classification Scheme 2023. Collection method: clinical testing. Allele origin: germline.

Labcorp Genetics (formerly Invitae), Labcorp
Classification: Likely benign for Familial adenomatous polyposis 1. Last evaluated: 2021-07-22. Review status: criteria provided, single submitter. Criteria: Invitae Variant Classification Sherloc (09022015). Collection method: clinical testing. Allele origin: germline.